The following is an entry in ClinVar:

NM_020706.2(SCAF4):c.2874_2936del (p.Gln962_Gln982del)

Gene: SCAF4 (SR-related CTD associated factor 4; minus strand). Cytogenetic location: 21q22.11.
Variant type: Deletion.
Coding change: c.2874_2936del on transcript NM_020706.2 (MANE Select); coding-DNA positions 2874 to 2936, 63 bases deleted.
Protein change: p.Gln962_Gln982del.
Molecular consequence: inframe deletion.
Genome position (GRCh38, 1-based): chr21:31,671,907-31,671,969, 63 bases deleted. GRCh37 (hg19): chr21:33,044,225-33,044,287.
Other names: c.2829_2891del, p.Gln947_Gln967del (NM_001145444.1); c.2808_2870del, p.Gln940_Gln960del (NM_001145445.1).
Identifiers: ClinVar variation 4086300 (VCV004086300.1).

ClinVar aggregate classification (germline): Uncertain significance (1 of 4 stars; one submission).

Submission:

GeneDx
Classification: Uncertain significance. Last evaluated: 2025-03-20. Review status: criteria provided, single submitter. Criteria: GeneDx Variant Classification Process June 2021. Collection method: clinical testing. Allele origin: germline. Affected: yes.
Comment: Not observed at significant frequency in large population cohorts (gnomAD); In-frame deletion of 21 amino acid(s) in a non-repeat region; In silico analysis supports a deleterious effect on protein structure/function; Has not been previously published as pathogenic or benign to our knowledge